The following is an entry in ClinVar:

NM_019109.5(ALG1):c.877T>C (p.Ser293Pro)

Gene: ALG1 (ALG1 chitobiosyldiphosphodolichol beta-mannosyltransferase; plus strand). Cytogenetic location: 16p13.3.
Variant type: single nucleotide variant.
Coding change: c.877T>C on transcript NM_019109.5 (MANE Select); coding-DNA position 877, T replaced by C.
Protein change: p.Ser293Pro; replaces serine 293 with proline.
Molecular consequence: missense variant.
Genome position (GRCh38, 1-based): chr16:5,079,078, T>C. VCF-style: chr16-5079078-T-C. GRCh37 (hg19) VCF-style: chr16-5129079-T-C.
Other names: c.544T>C, p.Ser182Pro (NM_001330504.2); short protein forms S182P.
Identifiers: ClinVar variation 522808 (VCV000522808.3), dbSNP rs1555452127, ClinGen allele CA394681944.

ClinVar aggregate classification (germline): Likely pathogenic (1 of 4 stars; one submission).

Conditions:
ALG1-congenital disorder of glycosylation. Also called: CDG Ik; CONGENITAL DISORDER OF GLYCOSYLATION, TYPE Ik; ALG1-CDG. Identifiers: Orphanet 79327, MedGen C2931005, MONDO:0012052, OMIM 608540.

Submission:

Undiagnosed Diseases Network, NIH
Classification: Likely pathogenic for ALG1-congenital disorder of glycosylation. Last evaluated: 2017-06-23. Review status: criteria provided, single submitter. Criteria: ACMG Guidelines, 2015. Collection method: clinical testing. Allele origin: maternal. Inheritance: Autosomal recessive inheritance. Affected: yes. Observed: 1 variant allele, 1 compound heterozygote.
Comment: Clinical genome sequencing revealed 3 variants of uncertain significance in the ALG1 gene. Multiple lines of computational evidence support a deleterious effect of these variants on the gene or gene product. cDNA experiments performed on a research basis demonstrated that the paternally inherited variant (c.1187+3A>G) is damaging. The maternally inherited variants are rare and are not present in the 1000 Genomes Project nor the Exome Aggregate Consortium (ExAC) databases. Based on these findings, the clinical team elevated these variants to likely pathogenic.